The following is an entry in ClinVar:

ClinVar aggregate classification (germline): Uncertain significance. Review status: criteria provided, multiple submitters, no conflicts (2 of 4 stars). 2 submissions from 2 submitters: Uncertain significance (2). Last evaluated 2021-08-23.

Conditions:
Hereditary cancer-predisposing syndrome. Also called: Tumor predisposition; Hereditary neoplastic syndrome; Neoplastic Syndromes, Hereditary; Hereditary Cancer Syndrome. Identifiers: Orphanet 140162, MedGen C0027672, MeSH D009386, MONDO:0015356.

Submissions (2):

Ambry Genetics
Classification: Uncertain significance for Hereditary cancer-predisposing syndrome. Last evaluated: 2021-08-23. Review status: criteria provided, single submitter. Criteria: Ambry Variant Classification Scheme 2023. Collection method: clinical testing. Allele origin: germline.
Comment: The p.M820V variant (also known as c.2458A>G), located in coding exon 21 of the POLE gene, results from an A to G substitution at nucleotide position 2458. The methionine at codon 820 is replaced by valine, an amino acid with highly similar properties. This amino acid position is conserved. In addition, the in silico prediction for this alteration is inconclusive. Since supporting evidence is limited at this time, the clinical significance of this alteration remains unclear.

Labcorp Genetics (formerly Invitae), Labcorp
Classification: Uncertain significance. Last evaluated: 2019-12-06. Review status: criteria provided, single submitter. Criteria: Invitae Variant Classification Sherloc (09022015). Collection method: clinical testing. Allele origin: germline.
Comment: In summary, the available evidence is currently insufficient to determine the role of this variant in disease. Therefore, it has been classified as a Variant of Uncertain Significance. Algorithms developed to predict the effect of missense changes on protein structure and function are either unavailable or do not agree on the potential impact of this missense change (SIFT: "Deleterious"; PolyPhen-2: "Probably Damaging"; Align-GVGD: "Class C15"). This variant has not been reported in the literature in individuals with POLE-related conditions. This variant is not present in population databases (ExAC no frequency). This sequence change replaces methionine with valine at codon 820 of the POLE protein (p.Met820Val). The methionine residue is highly conserved and there is a small physicochemical difference between methionine and valine.

NM_006231.4(POLE):c.2458A>G (p.Met820Val)

Gene: POLE (DNA polymerase epsilon, catalytic subunit; minus strand). Cytogenetic location: 12q24.33.
Variant type: single nucleotide variant.
Coding change: c.2458A>G on transcript NM_006231.4 (MANE Select); coding-DNA position 2458, A replaced by G.
Protein change: p.Met820Val; replaces methionine 820 with valine.
Molecular consequence: missense variant.
Genome position (GRCh38, 1-based): chr12:132,665,312, T>C on the plus strand (A>G on the coding strand, the complement: POLE is on the minus strand). VCF-style: chr12-132665312-T-C. GRCh37 (hg19) VCF-style: chr12-133241898-T-C.
Other names: short protein forms M820V.
Identifiers: ClinVar variation 846269 (VCV000846269.12), dbSNP rs2042768543, ClinGen allele CA387396915.